The following is an entry in ClinVar:

NM_000260.4(MYO7A):c.834C>G (p.Tyr278Ter)

Gene: MYO7A (myosin VIIA; plus strand). Cytogenetic location: 11q13.5.
Variant type: single nucleotide variant.
Coding change: c.834C>G on transcript NM_000260.4 (MANE Select); coding-DNA position 834, C replaced by G.
Protein change: p.Tyr278Ter; replaces tyrosine 278 with a stop codon.
Molecular consequence: nonsense.
Genome position (GRCh38, 1-based): chr11:77,157,377, C>G. VCF-style: chr11-77157377-C-G. GRCh37 (hg19) VCF-style: chr11-76868423-C-G.
Other names: c.834C>G, p.Tyr278Ter (NM_001127180.2); c.801C>G, p.Tyr267Ter (NM_001369365.1); short protein forms Y267*, Y278*.
Identifiers: ClinVar variation 3601506 (VCV003601506.1).
Genomic context (GRCh38, chr11:77,157,377, plus strand): 5'-GCTGGAGGGTATGAGTGAGGATCAGAAGAAGAAGCTGGGCTTGGGCCAGGCCTCTGACTA[C>G]AACTACTTGGCCATGGTGAGGCCCAGGTGGGCCCCTGGGTAGGGGGGCACCCACCCTAGG-3'

ClinVar aggregate classification (germline): Pathogenic (1 of 4 stars; one submission).

Conditions:
Autosomal recessive nonsyndromic hearing loss 2. Also called: NEUROSENSORY NONSYNDROMIC RECESSIVE DEAFNESS 2; DEAFNESS, AUTOSOMAL RECESSIVE 2. Identifiers: Orphanet 90636, MedGen C1838701, MONDO:0010807, OMIM 600060.

Submission:

Institute of Rare Diseases, West China Hospital, Sichuan University
Classification: Pathogenic for Autosomal recessive nonsyndromic hearing loss 2. Last evaluated: 2025-01-09. Review status: criteria provided, single submitter. Criteria: ClinGen HL ACMG Specifications v1. Collection method: research. Allele origin: germline. Affected: yes.
Comment: PVS1;PM3;PM2_Supporting;PS1